The following is an entry in ClinVar:

NM_012454.4(TIAM2):c.4764C>T (p.Ile1588=)

Genes: TFB1M (transcription factor B1, mitochondrial; minus strand), TIAM2 (TIAM Rac1 associated GEF 2; plus strand). Cytogenetic location: 6q25.3.
Variant type: single nucleotide variant.
Coding change: c.4764C>T on transcript NM_012454.4 (MANE Select); coding-DNA position 4764, C replaced by T.
Protein change: p.Ile1588=; no amino-acid change (isoleucine 1588 retained).
Molecular consequence: synonymous variant. On other transcripts: 3 prime UTR variant (3).
Genome position (GRCh38, 1-based): chr6:155,256,779, C>T. VCF-style: chr6-155256779-C-T. GRCh37 (hg19) VCF-style: chr6-155577913-C-T.
Other names: c.1539C>T, p.Ile513= (NM_001010927.3); c.4764C>T, p.Ile1588= (NM_001384546.1, NM_001384547.1); c.*1057G>A (NM_001350501.2, NM_001350502.2, NM_016020.4).
Identifiers: ClinVar variation 4083573 (VCV004083573.8).

ClinVar aggregate classification (germline): Benign (1 of 4 stars; one submission).

gnomAD v4.1: 22,530 of 1,614,176 alleles (1.4%); highest among the groups gnomAD compares: Non-Finnish European, 1.5%; 276 homozygotes.

Submission:

CeGaT Center for Human Genetics Tuebingen
Classification: Benign. Last evaluated: 2025-08-01. Review status: criteria provided, single submitter. Criteria: CeGaT Center For Human Genetics Tuebingen Variant Classification Criteria Version 2. Collection method: clinical testing. Allele origin: germline. Affected: yes. Observed: 1 variant allele.
Comment: TIAM2: BP4, BP7, BS1, BS2